The following is an entry in ClinVar:

ClinVar aggregate classification (germline): Uncertain significance. Review status: criteria provided, multiple submitters, no conflicts (2 of 4 stars). 3 submissions from 3 submitters: Uncertain significance (2). 1 of the submissions does not count toward it. Last evaluated 2024-09-18.

Conditions:
BBS9-related disorder. Also called: BBS9-related condition.
Bardet-Biedl syndrome 9 (BBS9). Identifiers: Orphanet 110, MedGen C1859567, MONDO:0014437, OMIM 615986.

Submissions (3):

Blueprint Genetics
Classification: Uncertain significance. Last evaluated: 2024-09-18. Review status: criteria provided, single submitter. Criteria: ACMG Guidelines, 2015. Collection method: clinical testing. Allele origin: germline.

Fulgent Genetics
Classification: Uncertain significance for Bardet-Biedl syndrome 9. Last evaluated: 2024-05-01. Review status: criteria provided, single submitter. Criteria: ACMG Guidelines, 2015. Collection method: clinical testing. Allele origin: germline.

PreventionGenetics, part of Exact Sciences
Classification: Uncertain significance for BBS9-related condition. Last evaluated: 2024-09-12. Review status: no assertion criteria provided. Collection method: clinical testing. Allele origin: germline. Not counted in ClinVar's aggregate classification.
Comment: The BBS9 c.1279G>T variant is predicted to result in the amino acid substitution p.Ala427Ser. To our knowledge, this variant has not been reported in the literature or in a large population database, indicating this variant is rare. At this time, the clinical significance of this variant is uncertain due to the absence of conclusive functional and genetic evidence.

NM_198428.3(BBS9):c.1279G>T (p.Ala427Ser)

Gene: BBS9 (Bardet-Biedl syndrome 9; plus strand). Cytogenetic location: 7p14.3.
Variant type: single nucleotide variant.
Coding change: c.1279G>T on transcript NM_198428.3 (MANE Select); coding-DNA position 1279, G replaced by T.
Protein change: p.Ala427Ser; replaces alanine 427 with serine.
Molecular consequence: missense variant. On other transcripts: non-coding transcript variant (3).
Genome position (GRCh38, 1-based): chr7:33,344,584, G>T. VCF-style: chr7-33344584-G-T. GRCh37 (hg19) VCF-style: chr7-33384196-G-T.
Other names: c.1279G>T, p.Ala427Ser (NM_001033604.2, NM_001033605.2, NM_001348036.1 and 5 more transcripts); c.913G>T, p.Ala305Ser (NM_001348037.3, NM_001348044.3, NM_001348045.3 and 1 more transcripts); c.1006G>T, p.Ala336Ser (NM_001348038.3, NM_001348039.3); c.1144G>T, p.Ala382Ser (NM_001348042.3); short protein forms A305S, A336S, A382S, A427S.
Identifiers: ClinVar variation 3346081 (VCV003346081.3).